The following is an entry in ClinVar:

NM_020632.3(ATP6V0A4):c.-137C>T

Genes: ATP6V0A4 (ATPase H+ transporting V0 subunit a4; minus strand), TMEM213 (transmembrane protein 213; plus strand), LOC123956241 (Sharpr-MPRA regulatory region 1249; plus strand). Cytogenetic location: 7q34.
Variant type: single nucleotide variant.
Coding change: c.-137C>T on transcript NM_020632.3 (MANE Select); 137 bases upstream of the start codon, C replaced by T.
Molecular consequence: 5 prime UTR variant.
Genome position (GRCh38, 1-based): chr7:138,798,050, G>A on the plus strand (C>T on the coding strand, the complement: ATP6V0A4 is on the minus strand). VCF-style: chr7-138798050-G-A. GRCh37 (hg19) VCF-style: chr7-138482795-G-A.
Other names: c.-55G>A (NM_001085429.2); c.-34C>T (NM_130840.3).
Identifiers: ClinVar variation 359036 (VCV000359036.6), dbSNP rs368646400, ClinGen allele CA4505304.
Genomic context (GRCh38, chr7:138,798,050, plus strand): 5'-TGGCAGAGTTGCTTTCCAGCTCCTGCAGGTGGGAGTCGACTCACCTGCAGCAGGCACTCG[G>A]CACAACTCCGCAGGACCGGCTCACCTGCACCGGGCACTCAGCACAGCCTCCAGCATGCAG-3'

ClinVar aggregate classification (germline): Benign. Review status: criteria provided, multiple submitters, no conflicts (2 of 4 stars). 2 submissions from 2 submitters: Benign (2). Last evaluated 2018-01-12.

Conditions:
Autosomal recessive distal renal tubular acidosis. Identifiers: Orphanet 402041, MedGen C1864498, MONDO:0018440.

Allele frequency attached by ClinVar (database versions not stated): ESP Exome Variant Server 0.00022; TOPMed 0.00024; gnomAD 0.00150 and 0.00003; gnomAD exomes 0.00265 and 0.00642; 1000 Genomes Project 30x 0.00937; 1000 Genomes Project 0.00958; ExAC 0.01974.
gnomAD v4.1: 3,964 of 1,559,220 alleles (0.25%); highest among the groups gnomAD compares: South Asian, 4.5%; 129 homozygotes.

Submissions (2):

Illumina Laboratory Services, Illumina
Classification: Benign for Renal tubular acidosis, distal, 3, with or without sensorineural hearing loss. Last evaluated: 2018-01-12. Review status: criteria provided, single submitter. Criteria: ICSL Variant Classification Criteria 13 December 2019. Collection method: clinical testing. Allele origin: germline.
Comment: This variant was observed in the ICSL laboratory as part of a predisposition screen in an ostensibly healthy population. It had not been previously curated by ICSL or reported in the Human Gene Mutation Database (HGMD: prior to June 1st, 2018), and was therefore a candidate for classification through an automated scoring system. Utilizing variant allele frequency, disease prevalence and penetrance estimates, and inheritance mode, an automated score was calculated to assess if this variant is too frequent to cause the disease. Based on the score and internal cut-off values, a variant classified as benign is not then subjected to further curation. The score for this variant resulted in a classification of benign for this disease.

Breakthrough Genomics
Classification: Benign. Review status: criteria provided, single submitter. Criteria: ACMG Guidelines, 2015. Collection method: not provided. Allele origin: germline. Inheritance: Autosomal recessive inheritance. Affected: yes.